The following is an entry in ClinVar:

ClinVar aggregate classification (germline): Likely pathogenic (1 of 4 stars; one submission).

Conditions:
Hemochromatosis type 3 (HFE3). Also called: HEMOCHROMATOSIS DUE TO DEFECT IN TRANSFERRIN RECEPTOR 2; Hereditary hemochromatosis type 3; TFR2-Related Hemochromatosis. Identifiers: Orphanet 225123, MedGen C1858664, MONDO:0011417, OMIM 604250.

Submission:

Natera, Inc.
Classification: Likely pathogenic for Hereditary hemochromatosis type 3. Last evaluated: 2024-04-23. Review status: criteria provided, single submitter. Criteria: Natera Variant Classification Schema (03/2026). Collection method: clinical testing. Allele origin: germline.
Comment: The c.275dupT variant in TFR2 is a frameshift variant predicted to shift the reading frame beginning at codon 93 and leads to a stop codon 28 codons downstream. This variant is expected to result in nonsense mediated decay, truncation, or a dysfunctional protein product. This variant is rare in the general population with a frequency below the threshold expected for the associated phenotype(s). Given the available evidence, this variant is classified as Likely Pathogenic.

NM_003227.4(TFR2):c.275dup (p.Phe93fs)

Gene: TFR2 (transferrin receptor 2; minus strand). Cytogenetic location: 7q22.1.
Variant type: Duplication.
Coding change: c.275dup on transcript NM_003227.4 (MANE Select); coding-DNA position 275, one base duplicated (T; older notation c.275dupT).
Protein change: p.Phe93fs; shifts the reading frame from phenylalanine 93.
Molecular consequence: frameshift variant.
Genome position (GRCh38, 1-based): chr7:100,640,987, A duplicated on the plus strand (T on the coding strand, the reverse complement: TFR2 is on the minus strand). VCF-style (leftmost placement, unchanged base first): chr7-100640986-G-GA. GRCh37 (hg19) VCF-style: chr7-100238609-G-GA.
Other names: short protein forms F93fs.
Identifiers: ClinVar variation 4815105 (VCV004815105.1).
Genomic context (GRCh38, chr7:100,640,986, plus strand): 5'-ATCTCCCCCAGCCCAAGCCCTTCACTTCTGGGGAGGGGGACGGCTCTCACCCCCAGTGAA[G>GA]ATCAGCAGGGCCGTCAGGACCAGGTAGGGGGCAGCCCTCCGTCCTGCTGCCGCCCAGGGA-3'